The following is an entry in ClinVar:

NM_001040108.2(MLH3):c.-3A>G

Gene: MLH3 (mutL homolog 3; minus strand). Cytogenetic location: 14q24.3.
Variant type: single nucleotide variant.
Coding change: c.-3A>G on transcript NM_001040108.2 (MANE Select); 3 bases upstream of the start codon, A replaced by G.
Molecular consequence: 5 prime UTR variant.
Genome position (GRCh38, 1-based): chr14:75,049,658, T>C on the plus strand (A>G on the coding strand, the complement: MLH3 is on the minus strand). VCF-style: chr14-75049658-T-C. GRCh37 (hg19) VCF-style: chr14-75516361-T-C.
Other names: c.-3A>G (NM_014381.3).
Identifiers: ClinVar variation 1736890 (VCV001736890.6), dbSNP rs146166860, ClinGen allele CA7276103.
Genomic context (GRCh38, chr14:75,049,658, plus strand): 5'-TTATGGCCAAACCAGAACGCAATTTGGCTTGTACTTCAACTGACAAGCACTTGATCATGG[T>C]AGGTAGAAAGATGGTGAGAATGCCAGGCACTGGTTTCCTTCTCTGACTGGAAATAATTGC-3'

ClinVar aggregate classification (germline): Conflicting classifications of pathogenicity. Review status: criteria provided, conflicting classifications (1 of 4 stars). 3 submissions from 3 submitters: Uncertain significance (1); Likely benign (1). 1 of the submissions does not count toward it. Last evaluated 2024-09-23.

Conditions:
Colorectal cancer, hereditary nonpolyposis, type 7. Identifiers: Orphanet 144, MedGen C1858380, MONDO:0013725, OMIM 614385.
MLH3-related disorder. Also called: MLH3-related condition.

Allele frequency attached by ClinVar (database versions not stated): ESP Exome Variant Server 0.00015; ExAC 0.00019; gnomAD 0.00059; 1000 Genomes Project 30x 0.00062; TOPMed 0.00071; 1000 Genomes Project 0.00080.
gnomAD v4.1: 159 of 1,613,446 alleles (0.0099%); highest among the groups gnomAD compares: African/African-American, 0.18%; 1 homozygote.

Submissions (3):

Ambry Genetics
Classification: Uncertain significance. Last evaluated: 2024-09-23. Review status: criteria provided, single submitter. Criteria: Ambry Variant Classification Scheme 2023. Collection method: clinical testing. Allele origin: germline.
Comment: The c.-3A>G variant is located in the 5' untranslated region (5&rsquo; UTR) of the MLH3 gene. This variant results from an A to G substitution 3 bases upstream from the first translated codon. This nucleotide position is poorly conserved in available vertebrate species. The evidence for this gene-disease relationship is limited; therefore, the clinical significance of this alteration is unclear.

Department of Pathology and Laboratory Medicine, Sinai Health System
Classification: Likely benign for colorectal cancer, hereditary nonpolyposis, type 7. Last evaluated: 2021-11-16. Review status: criteria provided, single submitter. Criteria: ACMG Guidelines, 2015. Collection method: clinical testing. Allele origin: germline. Affected: yes.

PreventionGenetics, part of Exact Sciences
Classification: Likely benign for MLH3-related condition. Last evaluated: 2024-02-07. Review status: no assertion criteria provided. Collection method: clinical testing. Allele origin: germline. Not counted in ClinVar's aggregate classification.
Comment: This variant is classified as likely benign based on ACMG/AMP sequence variant interpretation guidelines (Richards et al. 2015 PMID: 25741868, with internal and published modifications).